The following is an entry in ClinVar:

ClinVar aggregate classification (germline): Benign (0 of 4 stars; one submission).

Conditions:
TDRD9-related disorder. Also called: TDRD9-related condition.

Allele frequency attached by ClinVar (database versions not stated): ESP Exome Variant Server 0.00077; TOPMed 0.00087; 1000 Genomes Project 0.00120; 1000 Genomes Project 30x 0.00141; ExAC 0.00157; gnomAD 0.00211.
gnomAD v4.1: 2,850 of 1,613,864 alleles (0.18%); highest among the groups gnomAD compares: Non-Finnish European, 0.15%; 13 homozygotes.

Submission:

PreventionGenetics, part of Exact Sciences
Classification: Benign for TDRD9-related condition. Last evaluated: 2019-09-19. Review status: no assertion criteria provided. Collection method: clinical testing. Allele origin: germline.
Comment: This variant is classified as benign based on ACMG/AMP sequence variant interpretation guidelines (Richards et al. 2015 PMID: 25741868, with internal and published modifications).

NM_153046.3(TDRD9):c.907G>C (p.Val303Leu)

Gene: TDRD9 (tudor domain containing 9; plus strand). Cytogenetic location: 14q32.33.
Variant type: single nucleotide variant.
Coding change: c.907G>C on transcript NM_153046.3 (MANE Select); coding-DNA position 907, G replaced by C.
Protein change: p.Val303Leu; replaces valine 303 with leucine.
Molecular consequence: missense variant.
Genome position (GRCh38, 1-based): chr14:103,975,449, G>C. VCF-style: chr14-103975449-G-C. GRCh37 (hg19) VCF-style: chr14-104441786-G-C.
Other names: short protein forms V303L.
Identifiers: ClinVar variation 3040471 (VCV003040471.2), dbSNP rs147103471, ClinGen allele CA7368303.